The following is an entry in ClinVar:

ClinVar aggregate classification (germline): Likely pathogenic (1 of 4 stars; one submission).

gnomAD v4.1: 1 of 1,614,142 alleles (0.000062%); highest among the groups gnomAD compares: Non-Finnish European, 0.000085%; no homozygotes.

Submission:

GeneDx
Classification: Likely pathogenic. Last evaluated: 2020-07-07. Review status: criteria provided, single submitter. Criteria: GeneDx Variant Classification Process June 2021. Collection method: clinical testing. Allele origin: germline. Affected: yes.
Comment: Nonsense variant in the C-terminus predicted to result in protein truncation, as the last 292 amino acids are lost, and other loss-of-function variants have been reported downstream at GeneDx; Not observed in large population cohorts (Lek et al., 2016); Has not been previously published as pathogenic or benign to our knowledge

NM_006662.3(SRCAP):c.8815C>T (p.Arg2939Ter)

Gene: SRCAP (Snf2 related CREBBP activator protein; plus strand). Cytogenetic location: 16p11.2.
Variant type: single nucleotide variant.
Coding change: c.8815C>T on transcript NM_006662.3 (MANE Select); coding-DNA position 8815, C replaced by T.
Protein change: p.Arg2939Ter; replaces arginine 2939 with a stop codon.
Molecular consequence: nonsense.
Genome position (GRCh38, 1-based): chr16:30,738,855, C>T. VCF-style: chr16-30738855-C-T. GRCh37 (hg19) VCF-style: chr16-30750176-C-T.
Other names: short protein forms R2939*.
Identifiers: ClinVar variation 1218300 (VCV001218300.3), dbSNP rs2151301004, ClinGen allele CA395641129.